The following is an entry in ClinVar:

ClinVar aggregate classification (germline): Benign/Likely benign. Review status: criteria provided, multiple submitters, no conflicts (2 of 4 stars). 11 submissions from 11 submitters: Benign (3); Likely benign (5). 3 of the submissions do not count toward it. Last evaluated 2026-02-03.

Conditions:
Catecholaminergic polymorphic ventricular tachycardia 5 (CARDAR). Also called: Ventricular tachycardia, catecholaminergic polymorphic, 5, with or without muscle weakness; CARDIAC ARRHYTHMIA SYNDROME, WITH OR WITHOUT SKELETAL MUSCLE WEAKNESS. Identifiers: Orphanet 3286, MedGen C3809536, MONDO:0014191, OMIM 615441.
Catecholaminergic polymorphic ventricular tachycardia 1. Also called: RYR2-Related Catecholaminergic Polymorphic Ventricular Tachycardia; VENTRICULAR TACHYCARDIA, STRESS-INDUCED POLYMORPHIC 1; VENTRICULAR TACHYCARDIA, CATECHOLAMINERGIC POLYMORPHIC, 1, WITH OR WITHOUT ATRIAL DYSFUNCTION AND/OR DILATED CARDIOMYOPATHY. Identifiers: Orphanet 3286, MedGen C1631597, MONDO:0011484, OMIM 604772.

Submissions (11):

Labcorp Genetics (formerly Invitae), Labcorp
Classification: Benign for Catecholaminergic polymorphic ventricular tachycardia 1. Last evaluated: 2026-02-03. Review status: criteria provided, single submitter. Criteria: Invitae Variant Classification Sherloc (09022015). Collection method: clinical testing. Allele origin: germline.

CeGaT Center for Human Genetics Tuebingen
Classification: Likely benign. Last evaluated: 2026-02-01. Review status: criteria provided, single submitter. Criteria: CeGaT Center For Human Genetics Tuebingen Variant Classification Criteria Version 2. Collection method: clinical testing. Allele origin: germline. Affected: yes. Observed: 2 variant alleles.
Comment: TRDN: BS1

Molecular Diagnostic Laboratory for Inherited Cardiovascular Disease, Montreal Heart Institute
Classification: Likely benign. Last evaluated: 2025-04-09. Review status: criteria provided, single submitter. Criteria: ACMG Guidelines, 2015. Collection method: clinical testing. Allele origin: germline. Affected: no.

Blueprint Genetics
Classification: Likely benign. Last evaluated: 2024-11-01. Review status: criteria provided, single submitter. Criteria: ACMG Guidelines, 2015. Collection method: clinical testing. Allele origin: germline.

Women's Health and Genetics/Laboratory Corporation of America, LabCorp
Classification: Benign. Last evaluated: 2024-05-28. Review status: criteria provided, single submitter. Criteria: LabCorp Variant Classification Summary - May 2015. Collection method: clinical testing. Allele origin: germline.
Comment: Variant summary: TRDN c.931+18delT alters a non-conserved nucleotide located at a position not widely known to affect splicing. Consensus agreement among computation tools predict no significant impact on normal splicing. However, these predictions have yet to be confirmed by functional studies. The variant allele was found at a frequency of 0.00096 in 1450828 control chromosomes, predominantly at a frequency of 0.014 within the African or African-American subpopulation in the gnomAD database, including 6 homozygotes. The observed variant frequency within African or African-American control individuals in the gnomAD database is approximately 8.85 fold of the estimated maximal expected allele frequency for a pathogenic variant in TRDN causing Catecholaminergic Polymorphic Ventricular Tachycardia phenotype (0.0016). To our knowledge, no occurrence of c.931+18delT in individuals affected with Catecholaminergic Polymorphic Ventricular Tachycardia and no experimental evidence demonstrating its impact on protein function have been reported. ClinVar contains an entry for this variant (Variation ID: 227103). Based on the evidence outlined above, the variant was classified as benign.

ARUP Laboratories, Molecular Genetics and Genomics, ARUP Laboratories
Classification: Likely benign for Catecholaminergic polymorphic ventricular tachycardia 5. Last evaluated: 2023-03-09. Review status: criteria provided, single submitter. Criteria: ARUP Molecular Germline Variant Investigation Process 2024. Collection method: clinical testing. Allele origin: germline.

GeneDx
Classification: Likely benign. Last evaluated: 2018-07-27. Review status: criteria provided, single submitter. Criteria: GeneDx Variant Classification Process June 2021. Collection method: clinical testing. Allele origin: germline. Affected: yes.

Laboratory for Molecular Medicine, Mass General Brigham Personalized Medicine
Classification: Benign. Last evaluated: 2015-06-25. Review status: criteria provided, single submitter. Criteria: LMM Criteria. Collection method: clinical testing. Allele origin: germline. Observed: 6 variant alleles.
Comment: p.Ser297fs in exon 9 of TRDN: This variant is not expected to have clinical sign ificance because it has been identified in 5.7% (472/8334) of European chromosom es by the Exome Aggregation Consortium (ExAC; db SNP rs201431159).

Clinical Genetics DNA and cytogenetics Diagnostics Lab, Erasmus MC, Erasmus Medical Center
Classification: Benign. Review status: no assertion criteria provided. Collection method: clinical testing. Allele origin: germline. Affected: yes. Study: VKGL Data-share Consensus. Not counted in ClinVar's aggregate classification.

Clinical Genetics, Academic Medical Center
Classification: Benign. Review status: no assertion criteria provided. Collection method: clinical testing. Allele origin: germline. Affected: yes. Study: VKGL Data-share Consensus. Not counted in ClinVar's aggregate classification.

Joint Genome Diagnostic Labs from Nijmegen and Maastricht, Radboudumc and MUMC+
Classification: Likely benign. Review status: no assertion criteria provided. Collection method: clinical testing. Allele origin: germline. Affected: yes. Study: VKGL Data-share Consensus. Not counted in ClinVar's aggregate classification.

NM_006073.4(TRDN):c.931+18del

Genes: TRDN (triadin; minus strand), TRDN-AS1 (TRDN antisense RNA 1; plus strand). Cytogenetic location: 6q22.31.
Variant type: Deletion.
Coding change: c.931+18del on transcript NM_006073.4 (MANE Select); 18 bases into the intron after coding-DNA position 931, one base deleted (T; older notation c.931+18delT).
Molecular consequence: intron variant. On other transcripts: frameshift variant (1).
Genome position (GRCh38, 1-based): chr6:123,464,888, A deleted on the plus strand (T on the coding strand, the reverse complement: TRDN is on the minus strand); the first of 10 consecutive A bases (chr6:123,464,888-123,464,897); deleting any one gives the same sequence. VCF-style (leftmost placement, unchanged base first): chr6-123464887-GA-G. GRCh37 (hg19) VCF-style: chr6-123786032-GA-G.
Other names: c.889del, p.Ser297fs (NM_001256020.2); c.931+18del (NM_001251987.2); c.931+18delT (NM_006073.4); short protein forms S297fs.
Identifiers: ClinVar variation 227103 (VCV000227103.53), dbSNP rs201431159, ClinGen allele CA3984219.